The following is an entry in ClinVar:

NM_000112.4(SLC26A2):c.1072T>C (p.Ser358Pro)

Gene: SLC26A2 (solute carrier family 26 member 2; plus strand). Cytogenetic location: 5q32.
Variant type: single nucleotide variant.
Coding change: c.1072T>C on transcript NM_000112.4 (MANE Select); coding-DNA position 1072, T replaced by C.
Protein change: p.Ser358Pro; replaces serine 358 with proline.
Molecular consequence: missense variant.
Genome position (GRCh38, 1-based): chr5:149,980,665, T>C. VCF-style: chr5-149980665-T-C. GRCh37 (hg19) VCF-style: chr5-149360228-T-C.
Other names: short protein forms S358P.
Identifiers: ClinVar variation 4291956 (VCV004291956.1).

ClinVar aggregate classification (germline): Uncertain significance (1 of 4 stars; one submission).

Conditions:
SLC26A2-related disorder. Also called: SLC26A2-related condition; SLC26A2-related disorders. Identifiers: MedGen CN239404.

Submission:

3billion
Classification: Uncertain significance for SLC26A2-related disorder. Last evaluated: 2024-08-14. Review status: criteria provided, single submitter. Criteria: ACMG Guidelines, 2015. Collection method: clinical testing. Allele origin: germline. Affected: yes.
Comment: The variant is not observed in the gnomAD v4.0.0 dataset. Predicted Consequence/Location: The majority of the known disease-causing variants of this gene are variants expected to result in premature termination of the protein. In silico tool predictions suggest damaging effect of the variant on gene or gene product [REVEL: 0.78 (>=0.6, sensitivity 0.68 and specificity 0.92); 3Cnet: 0.76 (>=0.6, sensitivity 0.72 and precision 0.9)]. A different missense change at the same codon (p.Ser358Phe) has been reported to be associated with SLC26A2 related disorder (PMID: 36140680). However the evidence of pathogenicity is insufficient at this time. Therefore, this variant is classified as VUS according to the recommendation of ACMG/AMP guideline.

Literature cited by the submitters: PubMed 36140680.